The following is an entry in ClinVar:

ClinVar aggregate classification (germline): Uncertain significance (1 of 4 stars; one submission).

Conditions:
Multiple congenital exostosis (EXT). Also called: Multiple osteochondromas; MULTIPLE CARTILAGINOUS EXOSTOSES; Multiple exostoses; Hereditary multiple exostoses; Hereditary multiple exostosis; Hereditary multiple osteochondromas. Identifiers: Orphanet 321, MedGen C0015306, MONDO:0005508, HP:0002762.

Submission:

Labcorp Genetics (formerly Invitae), Labcorp
Classification: Uncertain significance for Multiple congenital exostosis. Last evaluated: 2025-11-01. Review status: criteria provided, single submitter. Criteria: Invitae Variant Classification Sherloc (09022015). Collection method: clinical testing. Allele origin: germline.
Comment: This variant, c.115_117del, results in the deletion of 1 amino acid(s) of the EXT1 protein (p.Glu39del), but otherwise preserves the integrity of the reading frame. This variant is not present in population databases (gnomAD no frequency). This variant has not been reported in the literature in individuals affected with EXT1-related conditions. Experimental studies and prediction algorithms are not available or were not evaluated, and the functional significance of this variant is currently unknown. In summary, the available evidence is currently insufficient to determine the role of this variant in disease. Therefore, it has been classified as a Variant of Uncertain Significance.

NM_000127.3(EXT1):c.112GAA[1] (p.Glu39del)

Gene: EXT1 (exostosin glycosyltransferase 1; minus strand). Cytogenetic location: 8q24.11.
Variant type: Microsatellite.
Coding change: c.112GAA[1] on transcript NM_000127.3 (MANE Select); one copy of the 3-base unit GAA starting at c.112; the reference has two copies in a row; one copy, 3 bases deleted.
Protein change: p.Glu39del; deletes glutamic acid 39.
Molecular consequence: inframe deletion.
Genome position (GRCh38, 1-based): chr8:118,110,930-118,110,932, TTC deleted on the plus strand (GAA on the coding strand, the reverse complement: EXT1 is on the minus strand); deleting any 3 consecutive bases within chr8:118,110,930-118,110,936 gives the same sequence; the position shown is the placement nearest the transcript's 3' end. VCF-style (leftmost placement, unchanged base first): chr8-118110929-GTTC-G. GRCh37 (hg19) VCF-style: chr8-119123168-GTTC-G.
Other names: short protein forms E39del.
Identifiers: ClinVar variation 1403621 (VCV001403621.6), dbSNP rs1782100732, ClinGen allele CA1118366627.